The following is an entry in ClinVar:

ClinVar aggregate classification (germline): Uncertain significance. Review status: criteria provided, multiple submitters, no conflicts (2 of 4 stars). 2 submissions from 2 submitters: Uncertain significance (2). Last evaluated 2025-04-24.

Allele frequency attached by ClinVar (database versions not stated): gnomAD 0.00001; TOPMed below 0.00001; ExAC 0.00003.
gnomAD v4.1: 15 of 1,613,898 alleles (0.00093%); highest among the groups gnomAD compares: Admixed American, 0.023%; no homozygotes.

Submissions (2):

Ambry Genetics
Classification: Uncertain significance. Last evaluated: 2025-04-24. Review status: criteria provided, single submitter. Criteria: Ambry Variant Classification Scheme 2023. Collection method: clinical testing. Allele origin: germline.

Labcorp Genetics (formerly Invitae), Labcorp
Classification: Uncertain significance. Last evaluated: 2022-10-24. Review status: criteria provided, single submitter. Criteria: Invitae Variant Classification Sherloc (09022015). Collection method: clinical testing. Allele origin: germline.
Comment: This sequence change replaces serine, which is neutral and polar, with arginine, which is basic and polar, at codon 1128 of the CACNA1B protein (p.Ser1128Arg). This variant is present in population databases (rs759917282, gnomAD 0.03%). This variant has not been reported in the literature in individuals affected with CACNA1B-related conditions. Advanced modeling of protein sequence and biophysical properties (such as structural, functional, and spatial information, amino acid conservation, physicochemical variation, residue mobility, and thermodynamic stability) performed at Invitae indicates that this missense variant is not expected to disrupt CACNA1B protein function. In summary, the available evidence is currently insufficient to determine the role of this variant in disease. Therefore, it has been classified as a Variant of Uncertain Significance.

NM_000718.4(CACNA1B):c.3384C>A (p.Ser1128Arg)

Genes: CACNA1B (calcium voltage-gated channel subunit alpha1 B; plus strand), LOC101928786 (uncharacterized LOC101928786; minus strand). Cytogenetic location: 9q34.3.
Variant type: single nucleotide variant.
Coding change: c.3384C>A on transcript NM_000718.4 (MANE Select); coding-DNA position 3384, C replaced by A.
Protein change: p.Ser1128Arg; replaces serine 1128 with arginine.
Molecular consequence: missense variant.
Genome position (GRCh38, 1-based): chr9:138,043,871, C>A. VCF-style: chr9-138043871-C-A. GRCh37 (hg19) VCF-style: chr9-140938323-C-A.
Other names: c.3384C>A, p.Ser1128Arg (NM_001243812.2); c.3384C>A (NM_000718.3); short protein forms S1128R.
Identifiers: ClinVar variation 2070317 (VCV002070317.2), dbSNP rs759917282, ClinGen allele CA5376642.